The following is an entry in ClinVar:

ClinVar aggregate classification (germline): Uncertain significance (1 of 4 stars; one submission).

Conditions:
Joubert syndrome 8 (JBTS8). Identifiers: Orphanet 475, MedGen C2676771, MONDO:0012855, OMIM 612291.

Allele frequency attached by ClinVar (database versions not stated): gnomAD exomes 0.00001.
gnomAD v4.1: 8 of 1,614,080 alleles (0.0005%); highest among the groups gnomAD compares: Non-Finnish European, 0.00059%; no homozygotes.

Submission:

Labcorp Genetics (formerly Invitae), Labcorp
Classification: Uncertain significance for Joubert syndrome 8. Last evaluated: 2022-11-15. Review status: criteria provided, single submitter. Criteria: Invitae Variant Classification Sherloc (09022015). Collection method: clinical testing. Allele origin: germline.
Comment: In summary, the available evidence is currently insufficient to determine the role of this variant in disease. Therefore, it has been classified as a Variant of Uncertain Significance. Advanced modeling of protein sequence and biophysical properties (such as structural, functional, and spatial information, amino acid conservation, physicochemical variation, residue mobility, and thermodynamic stability) performed at Invitae indicates that this missense variant is expected to disrupt ARL13B protein function. ClinVar contains an entry for this variant (Variation ID: 1398762). This missense change has been observed in individual(s) with Joubert syndrome and related disorders (Invitae). This variant is not present in population databases (gnomAD no frequency). This sequence change replaces cysteine, which is neutral and slightly polar, with arginine, which is basic and polar, at codon 165 of the ARL13B protein (p.Cys165Arg).

NM_001174150.2(ARL13B):c.493T>C (p.Cys165Arg)

Gene: ARL13B (ARF like GTPase 13B; plus strand). Cytogenetic location: 3q11.2.
Variant type: single nucleotide variant.
Coding change: c.493T>C on transcript NM_001174150.2 (MANE Select); coding-DNA position 493, T replaced by C.
Protein change: p.Cys165Arg; replaces cysteine 165 with arginine.
Molecular consequence: missense variant. On other transcripts: non-coding transcript variant (2).
Genome position (GRCh38, 1-based): chr3:94,036,558, T>C. VCF-style: chr3-94036558-T-C. GRCh37 (hg19) VCF-style: chr3-93755402-T-C.
Other names: c.184T>C, p.Cys62Arg (NM_001174151.2); c.448T>C, p.Cys150Arg (NM_001321328.2); c.172T>C, p.Cys58Arg (NM_144996.4); c.493T>C, p.Cys165Arg (NM_182896.3); short protein forms C62R, C58R, C150R, C165R.
Identifiers: ClinVar variation 1398762 (VCV001398762.7), dbSNP rs2076771227, ClinGen allele CA353678113.